The following is an entry in ClinVar:

ClinVar aggregate classification (germline): Pathogenic/Likely pathogenic. Review status: criteria provided, multiple submitters, no conflicts (2 of 4 stars). 5 submissions from 5 submitters: Pathogenic (4); Likely pathogenic (1). Last evaluated 2025-12-10.

Conditions:
F11-related disorders.
Plasma factor XI deficiency.

Allele frequency attached by ClinVar (database versions not stated): gnomAD 0.00001; gnomAD exomes 0.00003 and 0.00004; TOPMed 0.00004.
gnomAD v4.1: 61 of 1,595,732 alleles (0.0038%); highest among the groups gnomAD compares: Middle Eastern, 0.017%; no homozygotes.

Submissions (5):

Labcorp Genetics (formerly Invitae), Labcorp
Classification: Pathogenic. Last evaluated: 2025-12-10. Review status: criteria provided, single submitter. Criteria: Invitae Variant Classification Sherloc (09022015). Collection method: clinical testing. Allele origin: germline.
Comment: This sequence change falls in intron 6 of the F11 gene. It does not directly change the encoded amino acid sequence of the F11 protein. RNA analysis indicates that this variant induces altered splicing and may result in an absent or altered protein product. This variant is present in population databases (no rsID available, gnomAD 0.01%). This variant has been observed in individuals with autosomal recessive factor XI deficiency (PMID: 11895778, 16835901, 18024374, 18327400, 22159456, 29178608). This variant is also known as IVS6+3A>G. ClinVar contains an entry for this variant (Variation ID: 809713). Variants that disrupt the consensus splice site are a relatively common cause of aberrant splicing (PMID: 17576681, 9536098). Studies have shown that this variant results in skipping of exon 6, and produces a non-functional protein and/or introduces a premature termination codon (PMID: 18327400). For these reasons, this variant has been classified as Pathogenic.

GeneDx
Classification: Pathogenic. Last evaluated: 2025-08-30. Review status: criteria provided, single submitter. Criteria: GeneDx Variant Classification Process June 2021. Collection method: clinical testing. Allele origin: germline.
Comment: Non-canonical splice site variant demonstrated to result in loss-of-function (PMID: 18327400); This variant is associated with the following publications: (PMID: 22159456, 18327400, 29178608, 16835901, 11895778, 29138690, 18024374, 16519703, 38387429, Santacroce2025[Preprint])

Natera, Inc.
Classification: Likely pathogenic for Plasma factor XI deficiency. Last evaluated: 2025-08-28. Review status: criteria provided, single submitter. Criteria: Natera Variant Classification Schema (03/2026). Collection method: clinical testing. Allele origin: germline.
Comment: The c.595+3A>G variant in F11 is an intronic variant located outside the canonical splice sites. This variant is rare in the general population with a frequency below the threshold expected for the associated phenotype(s). This variant has been observed in one or more individuals affected with the associated recessive disease, as either homozygous or compound heterozygous with a second variant (PMID: 18024374, 29138690, 29178608, 38387429). Functional studies show that this variant may disrupt protein function (PMID: 18327400). Computational prediction algorithms indicate this variant is likely to affect gene or protein function. Given the available evidence, this variant is classified as Likely Pathogenic.

Mayo Clinic Laboratories, Mayo Clinic
Classification: Pathogenic. Last evaluated: 2025-01-16. Review status: criteria provided, single submitter. Criteria: ACMG Guidelines, 2015. Collection method: clinical testing. Allele origin: germline. Observed: 3 variant alleles.
Comment: PM2_supporting, PM3_strong, PS3, PS4_moderate

Blueprint Genetics
Classification: Pathogenic for F11-related disorders. Last evaluated: 2024-10-28. Review status: criteria provided, single submitter. Criteria: ACMG Guidelines, 2015. Collection method: clinical testing. Allele origin: germline. Affected: yes. Observed: 4 variant alleles.

Literature cited by the submitters: PubMed 11895778 (cited by Labcorp Genetics (formerly Invitae), Labcorp and Mayo Clinic Laboratories, Mayo Clinic); PubMed 16835901 (cited by Labcorp Genetics (formerly Invitae), Labcorp and Mayo Clinic Laboratories, Mayo Clinic); PubMed 18024374 (cited by 3 submitters); PubMed 18327400 (cited by 3 submitters); PubMed 22159456 (cited by Labcorp Genetics (formerly Invitae), Labcorp and Mayo Clinic Laboratories, Mayo Clinic); PubMed 29178608 (cited by 3 submitters); PubMed 17576681 (cited by Labcorp Genetics (formerly Invitae), Labcorp); PubMed 9536098 (cited by Labcorp Genetics (formerly Invitae), Labcorp); PubMed 29138690 (cited by Natera, Inc.); PubMed 38387429 (cited by Natera, Inc. and Mayo Clinic Laboratories, Mayo Clinic); PubMed 16519703 (cited by Mayo Clinic Laboratories, Mayo Clinic); PubMed 32166871 (cited by Mayo Clinic Laboratories, Mayo Clinic).

NM_000128.4(F11):c.595+3A>G

Gene: F11 (coagulation factor XI; plus strand). Cytogenetic location: 4q35.2.
Variant type: single nucleotide variant.
Coding change: c.595+3A>G on transcript NM_000128.4 (MANE Select); 3 bases into the intron after coding-DNA position 595, A replaced by G.
Molecular consequence: intron variant.
Genome position (GRCh38, 1-based): chr4:186,275,899, A>G. VCF-style: chr4-186275899-A-G. GRCh37 (hg19) VCF-style: chr4-187197053-A-G.
Other names: p.?.
Identifiers: ClinVar variation 809713 (VCV000809713.29), dbSNP rs933333847, ClinGen allele CA112152440.